The following is an entry in ClinVar:

NM_005612.5(REST):c.1685A>T (p.Asp562Val)

Gene: REST (RE1 silencing transcription factor; plus strand). Cytogenetic location: 4q12.
Variant type: single nucleotide variant.
Coding change: c.1685A>T on transcript NM_005612.5 (MANE Select); coding-DNA position 1685, A replaced by T.
Protein change: p.Asp562Val; replaces aspartic acid 562 with valine.
Molecular consequence: missense variant.
Genome position (GRCh38, 1-based): chr4:56,930,543, A>T. VCF-style: chr4-56930543-A-T. GRCh37 (hg19) VCF-style: chr4-57796709-A-T.
Other names: c.1685A>T, p.Asp562Val (NM_001193508.2, NM_001363453.3); short protein forms D562V.
Identifiers: ClinVar variation 3699135 (VCV003699135.2).

ClinVar aggregate classification (germline): Uncertain significance (1 of 4 stars; one submission).

Submission:

Labcorp Genetics (formerly Invitae), Labcorp
Classification: Uncertain significance. Last evaluated: 2024-10-16. Review status: criteria provided, single submitter. Criteria: Invitae Variant Classification Sherloc (09022015). Collection method: clinical testing. Allele origin: germline.
Comment: This sequence change replaces aspartic acid, which is acidic and polar, with valine, which is neutral and non-polar, at codon 562 of the REST protein (p.Asp562Val). This variant is not present in population databases (gnomAD no frequency). This variant has not been reported in the literature in individuals affected with REST-related conditions. An algorithm developed to predict the effect of missense changes on protein structure and function (PolyPhen-2) suggests that this variant is likely to be disruptive. In summary, the available evidence is currently insufficient to determine the role of this variant in disease. Therefore, it has been classified as a Variant of Uncertain Significance.